The following is an entry in ClinVar:

ClinVar aggregate classification (germline): Uncertain significance (1 of 4 stars; one submission).

Conditions:
PHGDH deficiency. Identifiers: Orphanet 79351, MedGen C1866174, MONDO:0011152, OMIM 601815.

Allele frequency attached by ClinVar (database versions not stated): gnomAD exomes below 0.00001.
gnomAD v4.1: 4 of 1,613,586 alleles (0.00025%); highest among the groups gnomAD compares: East Asian, 0.0022%; no homozygotes.

Submission:

Labcorp Genetics (formerly Invitae), Labcorp
Classification: Uncertain significance for PHGDH deficiency. Last evaluated: 2022-03-01. Review status: criteria provided, single submitter. Criteria: Invitae Variant Classification Sherloc (09022015). Collection method: clinical testing. Allele origin: germline.
Comment: This sequence change replaces leucine, which is neutral and non-polar, with proline, which is neutral and non-polar, at codon 153 of the PHGDH protein (p.Leu153Pro). This variant is present in population databases (no rsID available, gnomAD 0.006%). This variant has not been reported in the literature in individuals affected with PHGDH-related conditions. Algorithms developed to predict the effect of missense changes on protein structure and function (SIFT, PolyPhen-2, Align-GVGD) all suggest that this variant is likely to be disruptive. In summary, the available evidence is currently insufficient to determine the role of this variant in disease. Therefore, it has been classified as a Variant of Uncertain Significance.

NM_006623.4(PHGDH):c.458T>C (p.Leu153Pro)

Gene: PHGDH (phosphoglycerate dehydrogenase; plus strand). Cytogenetic location: 1p12.
Variant type: single nucleotide variant.
Coding change: c.458T>C on transcript NM_006623.4 (MANE Select); coding-DNA position 458, T replaced by C.
Protein change: p.Leu153Pro; replaces leucine 153 with proline.
Molecular consequence: missense variant.
Genome position (GRCh38, 1-based): chr1:119,727,050, T>C. VCF-style: chr1-119727050-T-C. GRCh37 (hg19) VCF-style: chr1-120269673-T-C.
Other names: short protein forms L153P.
Identifiers: ClinVar variation 1480963 (VCV001480963.5), dbSNP rs1311224546, ClinGen allele CA341847755.